The following is an entry in ClinVar:

ClinVar aggregate classification (germline): Uncertain significance (1 of 4 stars; one submission).

Submission:

Labcorp Genetics (formerly Invitae), Labcorp
Classification: Uncertain significance. Last evaluated: 2024-10-29. Review status: criteria provided, single submitter. Criteria: Invitae Variant Classification Sherloc (09022015). Collection method: clinical testing. Allele origin: germline.
Comment: This sequence change replaces cysteine, which is neutral and slightly polar, with phenylalanine, which is neutral and non-polar, at codon 562 of the MARS2 protein (p.Cys562Phe). This variant is not present in population databases (gnomAD no frequency). This variant has not been reported in the literature in individuals affected with MARS2-related conditions. ClinVar contains an entry for this variant (Variation ID: 2016250). An algorithm developed to predict the effect of missense changes on protein structure and function (PolyPhen-2) suggests that this variant is likely to be tolerated. In summary, the available evidence is currently insufficient to determine the role of this variant in disease. Therefore, it has been classified as a Variant of Uncertain Significance.

NM_138395.4(MARS2):c.1685G>T (p.Cys562Phe)

Gene: MARS2 (methionyl-tRNA synthetase 2, mitochondrial; plus strand). Cytogenetic location: 2q33.1.
Variant type: single nucleotide variant.
Coding change: c.1685G>T on transcript NM_138395.4 (MANE Select); coding-DNA position 1685, G replaced by T.
Protein change: p.Cys562Phe; replaces cysteine 562 with phenylalanine.
Molecular consequence: missense variant.
Genome position (GRCh38, 1-based): chr2:197,707,090, G>T. VCF-style: chr2-197707090-G-T. GRCh37 (hg19) VCF-style: chr2-198571814-G-T.
Other names: short protein forms C562F.
Identifiers: ClinVar variation 2016250 (VCV002016250.4), dbSNP rs2468942701, ClinGen allele CA350215575.
Genomic context (GRCh38, chr2:197,707,090, plus strand): 5'-CTGCCTCAGAGAGGAGTCTTGGAGAGCTCTATTTCTTGCCTCGATTCTATGGACATCCAT[G>T]CCCTTTTGAAGGGAGGAGGCTGGGACCTGAAACTGGGCTTTTGTTTCCAAGACTAGACCA-3'
Protein context (NP_612404.1, residues 552-572): YFLPRFYGHP[Cys562Phe]PFEGRRLGPE